The following is an entry in ClinVar:

NM_001127511.3(APC):c.-95C>T

Gene: APC (APC regulator of Wnt signaling pathway; plus strand). Cytogenetic location: 5q22.2.
Variant type: single nucleotide variant.
Coding change: c.-95C>T on transcript NM_001127511.3; 95 bases upstream of the start codon, C replaced by T.
Molecular consequence: 5 prime UTR variant. On other transcripts: non-coding transcript variant (2).
Genome position (GRCh38, 1-based): chr5:112,707,623, C>T. VCF-style: chr5-112707623-C-T. GRCh37 (hg19) VCF-style: chr5-112043320-C-T.
Other names: c.-278C>T (NM_001354895.2, NM_001407447.1, NM_001407452.1 and 3 more transcripts); c.-95C>T (NM_001354897.2, NM_001354902.2, NM_001407446.1); c.-45C>T (NM_001407448.1, NM_001407450.1, NM_001407457.1 and 1 more transcripts); c.-69C>T (NM_001407453.1); c.-1313C>T (NM_001407470.1, NM_001407472.1).
Identifiers: ClinVar variation 1404696 (VCV001404696.6), dbSNP rs2149629847, ClinGen allele CA2573138787.

ClinVar aggregate classification (germline): Uncertain significance (1 of 4 stars; one submission).

Conditions:
Familial adenomatous polyposis 1 (FAP1). Also called: FAMILIAL ADENOMATOUS POLYPOSIS 1, ATTENUATED; POLYPOSIS, ADENOMATOUS INTESTINAL. Identifiers: MedGen C2713442, MONDO:0021056, OMIM 175100. Disease mechanism: loss of function.

gnomAD v4.1: 1 of 1,295,594 alleles (0.000077%); highest among the groups gnomAD compares: East Asian, 0.0036%; no homozygotes.

Submission:

Labcorp Genetics (formerly Invitae), Labcorp
Classification: Uncertain significance for Familial adenomatous polyposis 1. Last evaluated: 2023-12-15. Review status: criteria provided, single submitter. Criteria: Invitae Variant Classification Sherloc (09022015). Collection method: clinical testing. Allele origin: germline.
Comment: This variant occurs in a non-coding region of the APC gene. It does not change the encoded amino acid sequence of the APC protein. This variant is not present in population databases (gnomAD no frequency). This variant has not been reported in the literature in individuals affected with APC-related conditions. Experimental studies and prediction algorithms are not available or were not evaluated, and the functional significance of this variant is currently unknown. In summary, the available evidence is currently insufficient to determine the role of this variant in disease. Therefore, it has been classified as a Variant of Uncertain Significance.